The following is an entry in ClinVar:

NM_032608.7(MYO18B):c.5047G>A (p.Val1683Ile)

Gene: MYO18B (myosin XVIIIB; plus strand). Cytogenetic location: 22q12.1.
Variant type: single nucleotide variant.
Coding change: c.5047G>A on transcript NM_032608.7 (MANE Select); coding-DNA position 5047, G replaced by A.
Protein change: p.Val1683Ile; replaces valine 1683 with isoleucine.
Molecular consequence: missense variant.
Genome position (GRCh38, 1-based): chr22:25,903,730, G>A. VCF-style: chr22-25903730-G-A. GRCh37 (hg19) VCF-style: chr22-26299697-G-A.
Other names: c.5050G>A, p.Val1684Ile (NM_001318245.2); c.5047G>A (NM_032608.6); short protein forms V1684I, V1683I.
Identifiers: ClinVar variation 1489080 (VCV001489080.11), dbSNP rs200295571, ClinGen allele CA10161054.

ClinVar aggregate classification (germline): Conflicting classifications of pathogenicity. Review status: criteria provided, conflicting classifications (1 of 4 stars). 4 submissions from 4 submitters: Uncertain significance (3); Likely benign (1). Last evaluated 2026-03-01.

Conditions:
Klippel-Feil anomaly-myopathy-facial dysmorphism syndrome. Also called: Klippel-Feil syndrome 4, autosomal recessive, with myopathy and facial dysmorphism; Klippel-feil syndrome 4, autosomal recessive, with nemaline myopathy and facial dysmorphism. Identifiers: Orphanet 447974, MedGen C4225285, MONDO:0014689, OMIM 616549.

Allele frequency attached by ClinVar (database versions not stated): ESP Exome Variant Server 0.00017; gnomAD exomes 0.00025 and 0.00040; gnomAD 0.00027 and 0.00029; TOPMed 0.00028; ExAC 0.00035.
gnomAD v4.1: 623 of 1,606,752 alleles (0.039%); highest among the groups gnomAD compares: Non-Finnish European, 0.045%; no homozygotes.

Submissions (4):

CeGaT Center for Human Genetics Tuebingen
Classification: Uncertain significance. Last evaluated: 2026-03-01. Review status: criteria provided, single submitter. Criteria: CeGaT Center For Human Genetics Tuebingen Variant Classification Criteria Version 2. Collection method: clinical testing. Allele origin: germline. Affected: yes. Observed: 1 variant allele.
Comment: MYO18B: PM2, BP4

Revvity Omics, Revvity
Classification: Uncertain significance for Klippel-Feil anomaly-myopathy-facial dysmorphism syndrome. Last evaluated: 2025-01-23. Review status: criteria provided, single submitter. Criteria: ACMG Guidelines, 2015. Collection method: clinical testing. Allele origin: germline.

Blueprint Genetics
Classification: Likely benign. Last evaluated: 2024-09-23. Review status: criteria provided, single submitter. Criteria: ACMG Guidelines, 2015. Collection method: clinical testing. Allele origin: germline.

Labcorp Genetics (formerly Invitae), Labcorp
Classification: Uncertain significance. Last evaluated: 2022-10-05. Review status: criteria provided, single submitter. Criteria: Invitae Variant Classification Sherloc (09022015). Collection method: clinical testing. Allele origin: germline.
Comment: This sequence change replaces valine, which is neutral and non-polar, with isoleucine, which is neutral and non-polar, at codon 1683 of the MYO18B protein (p.Val1683Ile). This variant is present in population databases (rs200295571, gnomAD 0.06%). This variant has not been reported in the literature in individuals affected with MYO18B-related conditions. ClinVar contains an entry for this variant (Variation ID: 1489080). Algorithms developed to predict the effect of missense changes on protein structure and function output the following: SIFT: "Not Available"; PolyPhen-2: "Benign"; Align-GVGD: "Not Available". The isoleucine amino acid residue is found in multiple mammalian species, which suggests that this missense change does not adversely affect protein function. In summary, the available evidence is currently insufficient to determine the role of this variant in disease. Therefore, it has been classified as a Variant of Uncertain Significance.